The following is an entry in ClinVar:

ClinVar aggregate classification (germline): Uncertain significance (1 of 4 stars; one submission).

Submission:

GeneDx
Classification: Uncertain significance. Last evaluated: 2026-04-13. Review status: criteria provided, single submitter. Criteria: GeneDx Variant Classification Process June 2021. Collection method: clinical testing. Allele origin: germline.
Comment: Not observed at significant frequency in large population cohorts (gnomAD); In silico analysis suggests that this missense variant does not alter protein structure/function; Has not been previously published as pathogenic or benign to our knowledge

NM_002804.5(PSMC3):c.59T>C (p.Val20Ala)

Gene: PSMC3 (proteasome 26S subunit, ATPase 3; minus strand). Cytogenetic location: 11p11.2.
Variant type: single nucleotide variant.
Coding change: c.59T>C on transcript NM_002804.5 (MANE Select); coding-DNA position 59, T replaced by C.
Protein change: p.Val20Ala; replaces valine 20 with alanine.
Molecular consequence: missense variant.
Genome position (GRCh38, 1-based): chr11:47,426,221, A>G on the plus strand (T>C on the coding strand, the complement: PSMC3 is on the minus strand). VCF-style: chr11-47426221-A-G. GRCh37 (hg19) VCF-style: chr11-47447772-A-G.
Other names: short protein forms V20A.
Identifiers: ClinVar variation 5037149 (VCV005037149.1).